The following is an entry in ClinVar:

NM_000405.5(GM2A):c.276_277delinsTT (p.Leu93Phe)

Gene: GM2A (ganglioside GM2 activator; plus strand). Cytogenetic location: 5q33.1.
Variant type: Indel.
Coding change: c.276_277delinsTT on transcript NM_000405.5 (MANE Select); coding-DNA positions 276 to 277, CC replaced by TT.
Protein change: p.Leu93Phe; replaces leucine 93 with phenylalanine.
Molecular consequence: missense variant.
Genome position (GRCh38, 1-based): chr5:151,266,763-151,266,764, CC replaced by TT. VCF-style: chr5-151266763-CC-TT. GRCh37 (hg19) VCF-style: chr5-150646324-CC-TT.
Other names: c.276_277delinsTT, p.Leu93Phe (NM_001167607.3); short protein forms L93F.
Identifiers: ClinVar variation 1040377 (VCV001040377.5), dbSNP rs1753894633, ClinGen allele CA1591314927.
Genomic context (GRCh38, chr5:151,266,763, plus strand): 5'-AAACCTTTGTTTTATTTTTTTTTACCAGGTGGATTTAGTTTTGGAGAAGGAGGTGGCTGG[CC>TT]TCTGGATCAAGATCCCATGCACAGACTACATTGGCAGCTGTACCTTTGAACACTTCTGTG-3'
Protein context (NP_000396.2, residues 83-103): DLVLEKEVAG[Leu93Phe]WIKIPCTDYI

ClinVar aggregate classification (germline): Uncertain significance (1 of 4 stars; one submission).

Conditions:
Tay-Sachs disease, variant AB. Also called: GM2 Activator Deficiency; Gm2-gangliosidosis, ab variant. Identifiers: Orphanet 309246, MedGen C0268275, MONDO:0010099, OMIM 272750.

Submission:

Labcorp Genetics (formerly Invitae), Labcorp
Classification: Uncertain significance for Tay-Sachs disease, variant AB. Last evaluated: 2020-01-20. Review status: criteria provided, single submitter. Criteria: Invitae Variant Classification Sherloc (09022015). Collection method: clinical testing. Allele origin: germline.
Comment: In summary, the available evidence is currently insufficient to determine the role of this variant in disease. Therefore, it has been classified as a Variant of Uncertain Significance. This variant has not been reported in the literature in individuals with GM2A-related conditions. This variant is not present in population databases (ExAC no frequency). This sequence change replaces leucine with phenylalanine at codon 93 of the GM2A protein (p.Leu93Phe). The leucine residue is weakly conserved and there is a small physicochemical difference between leucine and phenylalanine.